The following is an entry in ClinVar:

ClinVar aggregate classification (germline): Pathogenic. Review status: criteria provided, multiple submitters, no conflicts (2 of 4 stars). 2 submissions from 2 submitters: Pathogenic (2). Last evaluated 2023-11-15.

Conditions:
Cerebral cavernous malformation (CCM). Also called: Cavernous Hemangioma of Brain; Cerebral cavernous malformations; CAVERNOUS ANGIOMA, FAMILIAL; CAVERNOUS ANGIOMATOUS MALFORMATIONS; CEREBRAL CAPILLARY MALFORMATIONS; Cerebral cavernous hemangioma (type). Identifiers: Orphanet 221061, MedGen C2919945, MONDO:0000820, OMIM 116860, HP:0033522.

Submissions (2):

GeneDx
Classification: Pathogenic. Last evaluated: 2023-11-15. Review status: criteria provided, single submitter. Criteria: GeneDx Variant Classification Process June 2021. Collection method: clinical testing. Allele origin: germline. Affected: yes.
Comment: Canonical splice site variant predicted to result in a null allele in a gene for which loss-of-function is a known mechanism of disease; Not observed at significant frequency in large population cohorts (gnomAD); Has not been previously published as pathogenic or benign to our knowledge

Labcorp Genetics (formerly Invitae), Labcorp
Classification: Pathogenic for Cerebral cavernous malformation. Last evaluated: 2021-01-21. Review status: criteria provided, single submitter. Criteria: Invitae Variant Classification Sherloc (09022015). Collection method: clinical testing. Allele origin: germline.
Comment: Algorithms developed to predict the effect of sequence changes on RNA splicing suggest that this variant may disrupt the consensus splice site, but this prediction has not been confirmed by published transcriptional studies. For these reasons, this variant has been classified as Pathogenic. Disruption of this splice site has been observed in individual(s) with cerebral cavernous malformations (PMID: 10545614, 27792856, Invitae). This sequence change affects a donor splice site in intron 12 of the KRIT1 gene. It is expected to disrupt RNA splicing. Variants that disrupt the donor or acceptor splice site typically lead to a loss of protein function (PMID: 16199547), and loss-of-function variants in KRIT1 are known to be pathogenic (PMID: 10508515, 11222804, 12404106, 24689081). This variant is not present in population databases (ExAC no frequency).

Literature cited by the submitters: PubMed 10545614 (cited by Labcorp Genetics (formerly Invitae), Labcorp); PubMed 27792856 (cited by Labcorp Genetics (formerly Invitae), Labcorp); PubMed 16199547 (cited by Labcorp Genetics (formerly Invitae), Labcorp); PubMed 10508515 (cited by Labcorp Genetics (formerly Invitae), Labcorp); PubMed 11222804 (cited by Labcorp Genetics (formerly Invitae), Labcorp); PubMed 12404106 (cited by Labcorp Genetics (formerly Invitae), Labcorp); PubMed 24689081 (cited by Labcorp Genetics (formerly Invitae), Labcorp).

NM_194454.3(KRIT1):c.1146+1G>T

Gene: KRIT1 (KRIT1 ankyrin repeat containing; minus strand). Cytogenetic location: 7q21.2.
Variant type: single nucleotide variant.
Coding change: c.1146+1G>T on transcript NM_194454.3 (MANE Select); the canonical splice donor site of the intron after coding-DNA position 1146, G replaced by T.
Molecular consequence: splice donor variant.
Genome position (GRCh38, 1-based): chr7:92,226,525, C>A on the plus strand (G>T on the coding strand, the complement: KRIT1 is on the minus strand). VCF-style: chr7-92226525-C-A. GRCh37 (hg19) VCF-style: chr7-91855839-C-A.
Other names: c.1146+1G>T (NM_001350684.1, NM_001350690.1, NM_001350696.1 and 26 more transcripts); c.1002+1G>T (NM_001013406.2, NM_001350670.1, NM_001350669.1); c.432+1G>T (NM_001350671.1).
Identifiers: ClinVar variation 1187060 (VCV001187060.11), dbSNP rs886039401, ClinGen allele CA368152180.